The following is an entry in ClinVar:

NM_000179.3(MSH6):c.2708C>T (p.Pro903Leu)

Gene: MSH6 (mutS homolog 6; plus strand). Cytogenetic location: 2p16.3.
Variant type: single nucleotide variant.
Coding change: c.2708C>T on transcript NM_000179.3 (MANE Select); coding-DNA position 2708, C replaced by T.
Protein change: p.Pro903Leu; replaces proline 903 with leucine.
Molecular consequence: missense variant.
Genome position (GRCh38, 1-based): chr2:47,800,691, C>T. VCF-style: chr2-47800691-C-T. GRCh37 (hg19) VCF-style: chr2-48027830-C-T.
Other names: c.2318C>T, p.Pro773Leu (NM_001281492.2); c.1802C>T, p.Pro601Leu (NM_001281493.2, NM_001281494.2); short protein forms P903L, P601L, P773L.
Identifiers: ClinVar variation 410472 (VCV000410472.11), dbSNP rs1060502919, ClinGen allele CA16610917.

ClinVar aggregate classification (germline): Uncertain significance. Review status: criteria provided, multiple submitters, no conflicts (2 of 4 stars). 2 submissions from 2 submitters: Uncertain significance (2). Last evaluated 2023-11-25.

Conditions:
Hereditary cancer-predisposing syndrome. Also called: Tumor predisposition; Hereditary Cancer Syndrome; Hereditary neoplastic syndrome; Neoplastic Syndromes, Hereditary. Identifiers: Orphanet 140162, MedGen C0027672, MeSH D009386, MONDO:0015356.
Hereditary nonpolyposis colorectal neoplasms. Identifiers: MedGen C0009405, MeSH D003123.

Submissions (2):

Ambry Genetics
Classification: Uncertain significance for Hereditary cancer-predisposing syndrome. Last evaluated: 2023-11-25. Review status: criteria provided, single submitter. Criteria: Ambry Variant Classification Scheme 2023. Collection method: clinical testing. Allele origin: germline.
Comment: The p.P903L variant (also known as c.2708C>T), located in coding exon 4 of the MSH6 gene, results from a C to T substitution at nucleotide position 2708. The proline at codon 903 is replaced by leucine, an amino acid with similar properties. This amino acid position is conserved. In addition, this alteration is predicted to be deleterious by in silico analysis. Since supporting evidence is limited at this time, the clinical significance of this alteration remains unclear.

Labcorp Genetics (formerly Invitae), Labcorp
Classification: Uncertain significance for Hereditary nonpolyposis colorectal neoplasms. Last evaluated: 2022-03-01. Review status: criteria provided, single submitter. Criteria: Invitae Variant Classification Sherloc (09022015). Collection method: clinical testing. Allele origin: germline.
Comment: This variant is not present in population databases (gnomAD no frequency). In summary, the available evidence is currently insufficient to determine the role of this variant in disease. Therefore, it has been classified as a Variant of Uncertain Significance. Advanced modeling of protein sequence and biophysical properties (such as structural, functional, and spatial information, amino acid conservation, physicochemical variation, residue mobility, and thermodynamic stability) performed at Invitae indicates that this missense variant is expected to disrupt MSH6 protein function. ClinVar contains an entry for this variant (Variation ID: 410472). This variant has not been reported in the literature in individuals affected with MSH6-related conditions. This sequence change replaces proline, which is neutral and non-polar, with leucine, which is neutral and non-polar, at codon 903 of the MSH6 protein (p.Pro903Leu).